The following is an entry in ClinVar:

ClinVar aggregate classification (germline): Uncertain significance (1 of 4 stars; one submission).

Conditions:
Neurodevelopmental disorder with hypotonia and variable intellectual and behavioral abnormalities. Identifiers: MedGen C5231423, MONDO:0032829, OMIM 618603.

Submission:

3billion
Classification: Uncertain significance for Neurodevelopmental disorder with hypotonia and variable intellectual and behavioral abnormalities. Last evaluated: 2024-11-16. Review status: criteria provided, single submitter. Criteria: ACMG Guidelines, 2015. Collection method: clinical testing. Allele origin: germline. Affected: yes.
Comment: The variant is not observed in the gnomAD v4.1.0 dataset. Predicted Consequence/Location: Canonical splice site: predicted to alter splicing and result in a loss or disruption of normal protein function. In silico tools predict the variant to alter splicing and produce an abnormal transcript [SpliceAI: 0.99 (spliceogenicity >=0.2, non-spliceogenicity <0.1)]. Therefore, this variant is classified as VUS according to the recommendation of ACMG/AMP guideline.

NM_000937.5(POLR2A):c.3034+1G>A

Gene: POLR2A (RNA polymerase II subunit A; plus strand). Cytogenetic location: 17p13.1.
Variant type: single nucleotide variant.
Coding change: c.3034+1G>A on transcript NM_000937.5 (MANE Select); the canonical splice donor site of the intron after coding-DNA position 3034, G replaced by A.
Molecular consequence: splice donor variant.
Genome position (GRCh38, 1-based): chr17:7,503,491, G>A. VCF-style: chr17-7503491-G-A. GRCh37 (hg19) VCF-style: chr17-7406810-G-A.
Identifiers: ClinVar variation 4292259 (VCV004292259.1).